The following is an entry in ClinVar:

NM_152906.7(TANGO2):c.407A>G (p.Tyr136Cys)

Gene: TANGO2 (transport and golgi organization 2 homolog; plus strand). Cytogenetic location: 22q11.21.
Variant type: single nucleotide variant.
Coding change: c.407A>G on transcript NM_152906.7 (MANE Select); coding-DNA position 407, A replaced by G.
Protein change: p.Tyr136Cys; replaces tyrosine 136 with cysteine.
Molecular consequence: missense variant. On other transcripts: non-coding transcript variant (4), intron variant (11).
Genome position (GRCh38, 1-based): chr22:20,055,969, A>G. VCF-style: chr22-20055969-A-G. GRCh37 (hg19) VCF-style: chr22-20043492-A-G.
Other names: c.407A>G, p.Tyr136Cys (NM_001283106.3, NM_001283116.3, NM_001283148.3 and 2 more transcripts); c.530A>G, p.Tyr177Cys (NM_001283129.3, NM_001283215.3, NM_001322141.2 and 2 more transcripts); c.113A>G, p.Tyr38Cys (NM_001283235.3, NM_001322150.2, NM_001322153.2 and 6 more transcripts); c.305A>G, p.Tyr102Cys (NM_001322146.2, NM_001322148.2, NM_001322160.2); c.265+3385A>G (NM_001322163.2, NM_001283179.3, NM_001322167.2 and 4 more transcripts); c.388+3385A>G (NM_001322145.2, NM_001322147.2); c.380+2418A>G (NM_001283199.3); c.503+2418A>G (NM_001322149.2); and 1 more; short protein forms Y102C, Y177C, Y38C, Y136C.
Identifiers: ClinVar variation 1513919 (VCV001513919.5), dbSNP rs760333096, ClinGen allele CA10106349.
Genomic context (GRCh38, chr22:20,055,969, plus strand): 5'-CTGTAGTCTGACATTCTCTCCCCTTGGCCTGCAGCACAGCAAAGGGAGACGTCATTTGCT[A>G]CTATGGGAACCGAGGGGAGCCTGATCCTATCGTTTTGACGCCAGGTGAGCCTGCCCTGGC-3'
Protein context (NP_690870.3, residues 126-146): LSTAKGDVIC[Tyr136Cys]YGNRGEPDPI

ClinVar aggregate classification (germline): Uncertain significance. Review status: criteria provided, multiple submitters, no conflicts (2 of 4 stars). 2 submissions from 2 submitters: Uncertain significance (2). Last evaluated 2024-03-01.

Conditions:
Inborn genetic diseases. Identifiers: MedGen C0950123, MeSH D030342.

Allele frequency attached by ClinVar (database versions not stated): gnomAD 0.00005 and 0.00006; ExAC 0.00006; TOPMed 0.00006; gnomAD exomes 0.00007.
gnomAD v4.1: 134 of 1,613,990 alleles (0.0083%); highest among the groups gnomAD compares: Admixed American, 0.017%; no homozygotes.

Submissions (2):

Ambry Genetics
Classification: Uncertain significance for Inborn genetic diseases. Last evaluated: 2024-03-01. Review status: criteria provided, single submitter. Criteria: Ambry Variant Classification Scheme 2023. Collection method: clinical testing. Allele origin: germline.

Labcorp Genetics (formerly Invitae), Labcorp
Classification: Uncertain significance. Last evaluated: 2024-01-17. Review status: criteria provided, single submitter. Criteria: Invitae Variant Classification Sherloc (09022015). Collection method: clinical testing. Allele origin: germline.
Comment: This sequence change replaces tyrosine, which is neutral and polar, with cysteine, which is neutral and slightly polar, at codon 136 of the TANGO2 protein (p.Tyr136Cys). This variant is present in population databases (rs760333096, gnomAD 0.03%). This variant has not been reported in the literature in individuals affected with TANGO2-related conditions. ClinVar contains an entry for this variant (Variation ID: 1513919). An algorithm developed to predict the effect of missense changes on protein structure and function (PolyPhen-2) suggests that this variant is likely to be disruptive. In summary, the available evidence is currently insufficient to determine the role of this variant in disease. Therefore, it has been classified as a Variant of Uncertain Significance.